The following is an entry in ClinVar:

ClinVar aggregate classification (germline): Uncertain significance. Review status: criteria provided, multiple submitters, no conflicts (2 of 4 stars). 3 submissions from 3 submitters: Uncertain significance (3). Last evaluated 2025-12-30.

Allele frequency attached by ClinVar (database versions not stated): gnomAD exomes 0.00001; TOPMed 0.00002; ExAC 0.00004; gnomAD 0.00005.
gnomAD v4.1: 27 of 1,611,248 alleles (0.0017%); highest among the groups gnomAD compares: Admixed American, 0.0083%; no homozygotes.

Submissions (3):

Women's Health and Genetics/Laboratory Corporation of America, LabCorp
Classification: Uncertain significance. Last evaluated: 2025-12-30. Review status: criteria provided, single submitter. Criteria: LabCorp Variant Classification Summary - May 2015. Collection method: clinical testing. Allele origin: germline.
Comment: Variant summary: TTN c.60022G>A (p.Gly20008Ser) results in a non-conservative amino acid change in the encoded protein sequence. Algorithms developed to predict the effect of missense changes on protein structure and function all suggest that this variant is likely to be disruptive. The variant allele was found at a frequency of 2.4e-05 in 247690 control chromosomes. The available data on variant occurrences in the general population are insufficient to allow any conclusion about variant significance. To our knowledge, no occurrence of c.60022G>A in individuals affected with TTN-related conditions and no experimental evidence demonstrating its impact on protein function have been reported. ClinVar contains an entry for this variant (Variation ID: 2438095). Based on the evidence outlined above, the variant was classified as uncertain significance.

Mayo Clinic Laboratories, Mayo Clinic
Classification: Uncertain significance. Last evaluated: 2024-02-20. Review status: criteria provided, single submitter. Criteria: ACMG Guidelines, 2015. Collection method: clinical testing. Allele origin: germline. Observed: 1 variant allele.
Comment: PP3, PM2

Revvity Omics, Revvity
Classification: Uncertain significance. Last evaluated: 2023-03-01. Review status: criteria provided, single submitter. Criteria: ACMG Guidelines, 2015. Collection method: clinical testing. Allele origin: germline.

NM_001267550.2(TTN):c.67726G>A (p.Gly22576Ser)

Genes: TTN (titin; minus strand), TTN-AS1 (TTN antisense RNA 1; plus strand), LOC126806423 (CDK7 strongly-dependent group 2 enhancer GRCh37_chr2:179443309-179444508; plus strand). Cytogenetic location: 2q31.2.
Variant type: single nucleotide variant.
Coding change: c.67726G>A on transcript NM_001267550.2 (MANE Select); coding-DNA position 67726, G replaced by A.
Protein change: p.Gly22576Ser; replaces glycine 22576 with serine.
Molecular consequence: missense variant.
Genome position (GRCh38, 1-based): chr2:178,579,304, C>T on the plus strand (G>A on the coding strand, the complement: TTN is on the minus strand). VCF-style: chr2-178579304-C-T. GRCh37 (hg19) VCF-style: chr2-179444031-C-T.
Other names: p.Gly20935Ser; c.62803G>A, p.Gly20935Ser (NM_001256850.1); c.40531G>A, p.Gly13511Ser (NM_003319.4); c.60022G>A, p.Gly20008Ser (NM_133378.4); c.40906G>A, p.Gly13636Ser (NM_133432.3); c.41107G>A, p.Gly13703Ser (NM_133437.4); short protein forms G13511S, G13636S, G13703S, G20008S, G20935S, G22576S.
Identifiers: ClinVar variation 2438095 (VCV002438095.5), dbSNP rs751016349, ClinGen allele CA1991242.
Genomic context (GRCh38, chr2:178,579,304, plus strand): 5'-TAGTGTCAGTTGCTAGAGGATCTTCCCCTTTCTTCCAGGAGACTGATGGAGCTGGCTTGC[C>T]TTTTATGGGGATCTTAAGCCGGAAGTTGCTGTTTTCTTTAGCCAAGTAGCACAAATCAGG-3'
Protein context (NP_001254479.2, residues 22566-22586): SNFRLKIPIK[Gly22576Ser]KPAPSVSWKK